The following is an entry in ClinVar:

NM_000059.4(BRCA2):c.2266dup (p.Gln756fs)

Gene: BRCA2 (BRCA2 DNA repair associated; plus strand). Cytogenetic location: 13q13.1.
Variant type: Duplication.
Coding change: c.2266dup on transcript NM_000059.4 (MANE Select); coding-DNA position 2266, one base duplicated (C; older notation c.2266dupC).
Protein change: p.Gln756fs; shifts the reading frame from glutamine 756.
Molecular consequence: frameshift variant.
Genome position (GRCh38, 1-based): chr13:32,336,621, C duplicated; the last of 3 consecutive C bases (chr13:32,336,619-32,336,621); duplicating any one gives the same sequence. VCF-style (leftmost placement, unchanged base first): chr13-32336618-T-TC. GRCh37 (hg19) VCF-style: chr13-32910755-T-TC.
Other names: 2492insC; short protein forms Q756fs.
Identifiers: ClinVar variation 266691 (VCV000266691.3), dbSNP rs886040418, ClinGen allele CA10589147.

ClinVar aggregate classification (germline): Pathogenic (3 of 4 stars; one submission).

Conditions:
Breast-ovarian cancer, familial, susceptibility to, 2 (BROVCA2). Also called: BRCA2 Hereditary Breast and Ovarian Cancer. Identifiers: Orphanet 145, MedGen C2675520, MONDO:0012933, OMIM 612555. Disease mechanism: loss of function.

Submission:

Evidence-based Network for the Interpretation of Germline Mutant Alleles (ENIGMA)
Classification: Pathogenic for Breast-ovarian cancer, familial, susceptibility to, 2. Last evaluated: 2016-10-18. Review status: reviewed by expert panel. Criteria: ENIGMA BRCA1/2 Classification Criteria (2015). Collection method: curation. Allele origin: germline.
Comment: Variant allele predicted to encode a truncated non-functional protein.